The following is an entry in ClinVar:

ClinVar aggregate classification (germline): Uncertain significance. Review status: criteria provided, multiple submitters, no conflicts (2 of 4 stars). 2 submissions from 2 submitters: Uncertain significance (2). Last evaluated 2025-05-07.

Conditions:
Short-rib thoracic dysplasia 11 with or without polydactyly (SRTD11). Also called: SHORT-RIB THORACIC DYSPLASIA 11 WITHOUT POLYDACTYLY. Identifiers: Orphanet 474, Orphanet 93271, MedGen C3810200, MONDO:0014287, OMIM 615633.
Inborn genetic diseases. Identifiers: MedGen C0950123, MeSH D030342.

Allele frequency attached by ClinVar (database versions not stated): gnomAD 0.00001; ExAC 0.00024; gnomAD exomes 0.00015.

Submissions (2):

Ambry Genetics
Classification: Uncertain significance for Inborn genetic diseases. Last evaluated: 2025-05-07. Review status: criteria provided, single submitter. Criteria: Ambry Variant Classification Scheme 2023. Collection method: clinical testing. Allele origin: germline.

Labcorp Genetics (formerly Invitae), Labcorp
Classification: Uncertain significance for Short-rib thoracic dysplasia 11 with or without polydactyly. Last evaluated: 2022-11-01. Review status: criteria provided, single submitter. Criteria: Invitae Variant Classification Sherloc (09022015). Collection method: clinical testing. Allele origin: germline.
Comment: This sequence change replaces glycine, which is neutral and non-polar, with arginine, which is basic and polar, at codon 14 of the WDR34 protein (p.Gly14Arg). This variant is present in population databases (rs778409061, gnomAD 0.1%). This variant has not been reported in the literature in individuals affected with WDR34-related conditions. ClinVar contains an entry for this variant (Variation ID: 1681270). Algorithms developed to predict the effect of missense changes on protein structure and function output the following: SIFT: "Deleterious"; PolyPhen-2: "Benign"; Align-GVGD: "Class C0". The arginine amino acid residue is found in multiple mammalian species, which suggests that this missense change does not adversely affect protein function. In summary, the available evidence is currently insufficient to determine the role of this variant in disease. Therefore, it has been classified as a Variant of Uncertain Significance.

NM_052844.4(DYNC2I2):c.40G>A (p.Gly14Arg)

Gene: DYNC2I2 (dynein 2 intermediate chain 2; minus strand). Cytogenetic location: 9q34.11.
Variant type: single nucleotide variant.
Coding change: c.40G>A on transcript NM_052844.4 (MANE Select); coding-DNA position 40, G replaced by A.
Protein change: p.Gly14Arg; replaces glycine 14 with arginine.
Molecular consequence: missense variant.
Genome position (GRCh38, 1-based): chr9:128,656,687, C>T on the plus strand (G>A on the coding strand, the complement: DYNC2I2 is on the minus strand). VCF-style: chr9-128656687-C-T. GRCh37 (hg19) VCF-style: chr9-131418966-C-T.
Other names: c.40G>A (NM_052844.3); short protein forms G14R.
Identifiers: ClinVar variation 1681270 (VCV001681270.4), dbSNP rs778409061, ClinGen allele CA5266760.
Genomic context (GRCh38, chr9:128,656,687, plus strand): 5'-GCCCCGGCCCCGGGCCGCTCGCAACCCCGACTGTCGCCAGCGCCGCAACACCAGCGCTTC[C>T]CGCCTGGCTGAGTGGCCCCGGCTGCGCGCGGGTTGCCATGGAGACGGTTCCGCCCTCTCG-3'
Protein context (NP_443076.2, residues 4-24): RAQPGPLSQA[Gly14Arg]SAGVAALATV